The following is an entry in ClinVar:

ClinVar aggregate classification (germline): Uncertain significance (1 of 4 stars; one submission).

Submission:

GeneDx
Classification: Uncertain significance. Last evaluated: 2022-04-07. Review status: criteria provided, single submitter. Criteria: GeneDx Variant Classification Process June 2021. Collection method: clinical testing. Allele origin: germline. Affected: yes.
Comment: Not observed at significant frequency in large population cohorts (gnomAD); In silico analysis supports that this missense variant has a deleterious effect on protein structure/function; Has not been previously published as pathogenic or benign to our knowledge

NM_014991.6(WDFY3):c.1199C>A (p.Ala400Asp)

Gene: WDFY3 (WD repeat and FYVE domain containing 3; minus strand). Cytogenetic location: 4q21.23.
Variant type: single nucleotide variant.
Coding change: c.1199C>A on transcript NM_014991.6 (MANE Select); coding-DNA position 1199, C replaced by A.
Protein change: p.Ala400Asp; replaces alanine 400 with aspartic acid.
Molecular consequence: missense variant.
Genome position (GRCh38, 1-based): chr4:84,821,476, G>T on the plus strand (C>A on the coding strand, the complement: WDFY3 is on the minus strand). VCF-style: chr4-84821476-G-T. GRCh37 (hg19) VCF-style: chr4-85742629-G-T.
Other names: short protein forms A400D.
Identifiers: ClinVar variation 1708759 (VCV001708759.2), dbSNP rs1199770636, ClinGen allele CA357572570.